The following is an entry in ClinVar:

NM_017534.6(MYH2):c.2923C>T (p.His975Tyr)

Genes: MYH2 (myosin heavy chain 2; minus strand), MYHAS (myosin heavy chain gene cluster antisense RNA; plus strand). Cytogenetic location: 17p13.1.
Variant type: single nucleotide variant.
Coding change: c.2923C>T on transcript NM_017534.6 (MANE Select); coding-DNA position 2923, C replaced by T.
Protein change: p.His975Tyr; replaces histidine 975 with tyrosine.
Molecular consequence: missense variant.
Genome position (GRCh38, 1-based): chr17:10,529,849, G>A on the plus strand (C>T on the coding strand, the complement: MYH2 is on the minus strand). VCF-style: chr17-10529849-G-A. GRCh37 (hg19) VCF-style: chr17-10433166-G-A.
Other names: c.2923C>T, p.His975Tyr (NM_001100112.2); short protein forms H975Y.
Identifiers: ClinVar variation 1525036 (VCV001525036.6), dbSNP rs754311300, ClinGen allele CA8391047.

ClinVar aggregate classification (germline): Uncertain significance (1 of 4 stars; one submission).

Conditions:
Myopathy, proximal, and ophthalmoplegia (CMYO6). Also called: MYOPATHY WITH CONGENITAL JOINT CONTRACTURES, OPHTHALMOPLEGIA, AND RIMMED VACUOLES; INCLUSION BODY MYOPATHY 3, AUTOSOMAL DOMINANT; CONGENITAL MYOPATHY 6 WITH OPHTHALMOPLEGIA. Identifiers: Orphanet 363677, Orphanet 79091, MedGen C1854106, MONDO:0011577, OMIM 605637.

Allele frequency attached by ClinVar (database versions not stated): ExAC 0.00002; TOPMed 0.00002.
gnomAD v4.1: 17 of 1,613,896 alleles (0.0011%); highest among the groups gnomAD compares: South Asian, 0.019%; no homozygotes.

Submission:

Labcorp Genetics (formerly Invitae), Labcorp
Classification: Uncertain significance for Myopathy, proximal, and ophthalmoplegia. Last evaluated: 2023-11-20. Review status: criteria provided, single submitter. Criteria: Invitae Variant Classification Sherloc (09022015). Collection method: clinical testing. Allele origin: germline.
Comment: This sequence change replaces histidine, which is basic and polar, with tyrosine, which is neutral and polar, at codon 975 of the MYH2 protein (p.His975Tyr). This variant is present in population databases (rs754311300, gnomAD 0.02%). This variant has not been reported in the literature in individuals affected with MYH2-related conditions. ClinVar contains an entry for this variant (Variation ID: 1525036). Advanced modeling of protein sequence and biophysical properties (such as structural, functional, and spatial information, amino acid conservation, physicochemical variation, residue mobility, and thermodynamic stability) has been performed at Invitae for this missense variant, however the output from this modeling did not meet the statistical confidence thresholds required to predict the impact of this variant on MYH2 protein function. In summary, the available evidence is currently insufficient to determine the role of this variant in disease. Therefore, it has been classified as a Variant of Uncertain Significance.